The following is an entry in ClinVar:

NM_001370259.2(MEN1):c.1660del (p.Gln554fs)

Gene: MEN1 (menin 1; minus strand). Cytogenetic location: 11q13.1.
Variant type: Deletion.
Coding change: c.1660del on transcript NM_001370259.2 (MANE Select); coding-DNA position 1660, one base deleted (C; older notation c.1660delC).
Protein change: p.Gln554fs; shifts the reading frame from glutamine 554.
Molecular consequence: frameshift variant.
Genome position (GRCh38, 1-based): chr11:64,804,507, G deleted on the plus strand (C on the coding strand, the reverse complement: MEN1 is on the minus strand); the first of 2 consecutive G bases (chr11:64,804,507-64,804,508); deleting either gives the same sequence. VCF-style (leftmost placement, unchanged base first): chr11-64804506-TG-T. GRCh37 (hg19) VCF-style: chr11-64571978-TG-T.
Other names: c.1675del, p.Gln559fs (NM_130801.3, NM_130802.3, NM_130803.3 and 3 more transcripts); c.1786del, p.Gln596fs (NM_001370251.2); c.1660del, p.Gln554fs (NM_001370260.2, NM_001370261.2, NM_130799.3); c.1555del, p.Gln519fs (NM_001370262.2, NM_001370263.2); short protein forms Q519fs, Q554fs, Q596fs, Q559fs.
Identifiers: ClinVar variation 1386416 (VCV001386416.7), dbSNP rs2136081113, ClinGen allele CA2573147433.
Genomic context (GRCh38, chr11:64,804,506, plus strand): 5'-GCGCTCGAGTTGATCTTGGTGGCCACCAGCAGCTCCTTCATGCCCTTCATCTTCTCACTC[TG>T]GAAAGTGAGCACTGGACCCTCCGGCGGTGGTGATGCTGTGGGTGCTGGCACCTGAGCCGT-3'

ClinVar aggregate classification (germline): Pathogenic (1 of 4 stars; one submission).

Conditions:
Multiple endocrine neoplasia, type 1 (MEN1). Also called: MEN I; WERMER SYNDROME; Endocrine adenomatosis multiple; MEN 1; MEA I. Identifiers: Orphanet 652, MedGen C0025267, MeSH D018761, MONDO:0007540, OMIM 131100.

Submission:

Labcorp Genetics (formerly Invitae), Labcorp
Classification: Pathogenic for Multiple endocrine neoplasia, type 1. Last evaluated: 2021-11-12. Review status: criteria provided, single submitter. Criteria: Invitae Variant Classification Sherloc (09022015). Collection method: clinical testing. Allele origin: germline.
Comment: For these reasons, this variant has been classified as Pathogenic. This variant disrupts a region of the MEN1 protein in which other variant(s) (p.Thr580Argfs*8) have been determined to be pathogenic (PMID: 15331604, 16449969; Invitae). This suggests that this is a clinically significant region of the protein, and that variants that disrupt it are likely to be disease-causing. This variant has not been reported in the literature in individuals affected with MEN1-related conditions. This variant is not present in population databases (gnomAD no frequency). This sequence change creates a premature translational stop signal (p.Gln554Argfs*5) in the MEN1 gene. While this is not anticipated to result in nonsense mediated decay, it is expected to disrupt the last 57 amino acid(s) of the MEN1 protein.

Literature cited by the submitters: PubMed 15331604; PubMed 16449969.